The following is an entry in ClinVar:

ClinVar aggregate classification (germline): Benign. Review status: criteria provided, multiple submitters, no conflicts (2 of 4 stars). 2 submissions from 2 submitters: Benign (2). Last evaluated 2018-01-12.

Conditions:
Cone-rod dystrophy 5 (CORD5). Identifiers: Orphanet 1872, MedGen C1832976, MONDO:0010969, OMIM 600977.

Allele frequency attached by ClinVar (database versions not stated): gnomAD exomes 0.44444; 1000 Genomes Project 0.46306; 1000 Genomes Project 30x 0.46955; TOPMed 0.54860.
gnomAD v4.1: 81,793 of 151,996 alleles (54%); highest among the groups gnomAD compares: Middle Eastern, 70%; 22,463 homozygotes.

Submissions (2):

Illumina Laboratory Services, Illumina
Classification: Benign for Cone-rod dystrophy 5. Last evaluated: 2018-01-12. Review status: criteria provided, single submitter. Criteria: ICSL Variant Classification Criteria 13 December 2019. Collection method: clinical testing. Allele origin: germline.
Comment: This variant was observed in the ICSL laboratory as part of a predisposition screen in an ostensibly healthy population. It had not been previously curated by ICSL or reported in the Human Gene Mutation Database (HGMD: prior to June 1st, 2018), and was therefore a candidate for classification through an automated scoring system. Utilizing variant allele frequency, disease prevalence and penetrance estimates, and inheritance mode, an automated score was calculated to assess if this variant is too frequent to cause the disease. Based on the score and internal cut-off values, a variant classified as benign is not then subjected to further curation. The score for this variant resulted in a classification of benign for this disease.

Breakthrough Genomics
Classification: Benign. Review status: criteria provided, single submitter. Criteria: ACMG Guidelines, 2015. Collection method: not provided. Allele origin: germline. Inheritance: Autosomal dominant inheritance. Affected: yes.

NM_031220.4(PITPNM3):c.*2061C>T

Gene: PITPNM3 (PITPNM family member 3; minus strand). Cytogenetic location: 17p13.2.
Variant type: single nucleotide variant.
Coding change: c.*2061C>T on transcript NM_031220.4 (MANE Select); 2061 bases downstream of the stop codon, C replaced by T.
Molecular consequence: 3 prime UTR variant.
Genome position (GRCh38, 1-based): chr17:6,453,277, G>A on the plus strand (C>T on the coding strand, the complement: PITPNM3 is on the minus strand). VCF-style: chr17-6453277-G-A. GRCh37 (hg19) VCF-style: chr17-6356597-G-A.
Other names: c.*2061C>T (NM_001165966.2).
Identifiers: ClinVar variation 324714 (VCV000324714.6), dbSNP rs4796499, ClinGen allele CA10649895.
Genomic context (GRCh38, chr17:6,453,277, plus strand): 5'-GGAGCAAAGTACCCCATACTAATTATTTTATCATTTTAGTGTAACCAGTGCCTTCTGCAA[G>A]AAGGAGATGGTAGAGTTTTCAAGAATCAGACTAAGTCTGCCCAAGTTTAAATCAGGATAT-3'